The following is an entry in ClinVar:

NM_183050.4(BCKDHB):c.197-2A>G

Gene: BCKDHB (branched chain keto acid dehydrogenase E1 subunit beta; plus strand). Cytogenetic location: 6q14.1.
Variant type: single nucleotide variant.
Coding change: c.197-2A>G on transcript NM_183050.4 (MANE Select); the canonical splice acceptor site of the intron before coding-DNA position 197, A replaced by G.
Molecular consequence: splice acceptor variant.
Genome position (GRCh38, 1-based): chr6:80,127,545, A>G. VCF-style: chr6-80127545-A-G. GRCh37 (hg19) VCF-style: chr6-80837262-A-G.
Other names: c.-14-2A>G (NM_001318975.1); c.197-2A>G (NM_000056.5).
Identifiers: ClinVar variation 224056 (VCV000224056.2), dbSNP rs869312127, ClinGen allele CA354913.

ClinVar aggregate classification (germline): Pathogenic (1 of 4 stars; one submission).

Conditions:
Maple syrup urine disease (MSUD). Identifiers: Orphanet 511, MedGen C0024776, MeSH D008375, MONDO:0009563. Disease mechanism: loss of function.

Submission:

Institute of Medical Genetics and Genomics, Sir Ganga Ram Hospital
Classification: Pathogenic for Maple syrup urine disease type 1A. Last evaluated: 2012-01-01. Review status: criteria provided, single submitter. Criteria: Submitter's publication. Collection method: research. Allele origin: germline. Affected: yes. Observed: 1 variant allele.
Comment: Splice site mutation